The following is an entry in ClinVar:

NM_004333.6(BRAF):c.1317A>G (p.Lys439=)

Gene: BRAF (B-Raf proto-oncogene, serine/threonine kinase; minus strand). Cytogenetic location: 7q34.
Variant type: single nucleotide variant.
Coding change: c.1317A>G on transcript NM_004333.6 (MANE Select); coding-DNA position 1317, A replaced by G.
Protein change: p.Lys439=; no amino-acid change (lysine 439 retained).
Molecular consequence: synonymous variant.
Genome position (GRCh38, 1-based): chr7:140,781,691, T>C on the plus strand (A>G on the coding strand, the complement: BRAF is on the minus strand). VCF-style: chr7-140781691-T-C. GRCh37 (hg19) VCF-style: chr7-140481491-T-C.
Other names: p.Lys439=; c.1317A>G, p.Lys439= (NM_001354609.2, NM_001378468.1, NM_001378474.1); c.1437A>G, p.Lys479= (NM_001374244.1, NM_001374258.1); c.1326A>G, p.Lys442= (NM_001378467.1); c.1251A>G, p.Lys417= (NM_001378469.1); c.1215A>G, p.Lys405= (NM_001378470.1); c.1206A>G, p.Lys402= (NM_001378471.1); c.1161A>G, p.Lys387= (NM_001378472.1, NM_001378473.1); and 1 more.
Identifiers: ClinVar variation 598618 (VCV000598618.10), dbSNP rs569455230, ClinGen allele CA4516750.

ClinVar aggregate classification (germline): Uncertain significance. Review status: criteria provided, multiple submitters, no conflicts (2 of 4 stars). 3 submissions from 3 submitters: Uncertain significance (3). Last evaluated 2026-01-27.

Conditions:
RASopathy. Also called: rasopathies; Noonan spectrum disorder. Identifiers: Orphanet 536391, MedGen C5555857, MONDO:0021060.

Allele frequency attached by ClinVar (database versions not stated): gnomAD exomes below 0.00001; ExAC 0.00001; gnomAD 0.00002; 1000 Genomes Project 30x 0.00031; 1000 Genomes Project 0.00040.
gnomAD v4.1: 4 of 1,613,446 alleles (0.00025%); highest among the groups gnomAD compares: East Asian, 0.0067%; no homozygotes.

Submissions (3):

Labcorp Genetics (formerly Invitae), Labcorp
Classification: Uncertain significance for RASopathy. Last evaluated: 2026-01-27. Review status: criteria provided, single submitter. Criteria: Invitae Variant Classification Sherloc (09022015). Collection method: clinical testing. Allele origin: germline.
Comment: This sequence change affects codon 439 of the BRAF mRNA. It is a 'silent' change, meaning that it does not change the encoded amino acid sequence of the BRAF protein. This variant is present in population databases (rs569455230, gnomAD 0.006%). This variant has not been reported in the literature in individuals affected with BRAF-related conditions. ClinVar contains an entry for this variant (Variation ID: 598618). Algorithms developed to predict the effect of sequence changes on RNA splicing suggest that this variant may create or strengthen a splice site. In summary, the available evidence is currently insufficient to determine the role of this variant in disease. Therefore, it has been classified as a Variant of Uncertain Significance.

Mayo Clinic Laboratories, Mayo Clinic
Classification: Uncertain significance. Last evaluated: 2025-04-01. Review status: criteria provided, single submitter. Criteria: ACMG Guidelines, 2015. Collection method: clinical testing. Allele origin: germline. Observed: 1 variant allele.
Comment: PP3

Eurofins Ntd Llc (ga)
Classification: Uncertain significance. Last evaluated: 2018-09-06. Review status: criteria provided, single submitter. Criteria: EGL ClinVar v180209 classification definitions. Collection method: clinical testing. Allele origin: germline. Observed: 1 variant allele, 1 heterozygote.